The following is an entry in ClinVar:

NM_198253.3(TERT):c.954C>G (p.Asp318Glu)

Gene: TERT (telomerase reverse transcriptase; minus strand). Cytogenetic location: 5p15.33.
Variant type: single nucleotide variant.
Coding change: c.954C>G on transcript NM_198253.3 (MANE Select); coding-DNA position 954, C replaced by G.
Protein change: p.Asp318Glu; replaces aspartic acid 318 with glutamic acid.
Molecular consequence: missense variant. On other transcripts: non-coding transcript variant (2).
Genome position (GRCh38, 1-based): chr5:1,293,932, G>C on the plus strand (C>G on the coding strand, the complement: TERT is on the minus strand). VCF-style: chr5-1293932-G-C. GRCh37 (hg19) VCF-style: chr5-1294047-G-C.
Other names: c.954C>G, p.Asp318Glu (NM_001193376.3); short protein forms D318E.
Identifiers: ClinVar variation 838849 (VCV000838849.11), dbSNP rs964108245, ClinGen allele CA359056083.
Genomic context (GRCh38, chr5:1,293,932, plus strand): 5'-CTTGTCGCCTGAGGAGTAGAGGAAGTGCTTGGTCTCGGCGTACACCGGGGGACAAGGCGT[G>C]TCCCAGGGACGTGGTGGCCGCGATGTGGATGGGGGGCCCGCGTGGTGCTGGCGGCCCACG-3'
Protein context (NP_937983.2, residues 308-328): PSTSRPPRPW[Asp318Glu]TPCPPVYAET

ClinVar aggregate classification (germline): Uncertain significance. Review status: criteria provided, multiple submitters, no conflicts (2 of 4 stars). 2 submissions from 2 submitters: Uncertain significance (2). Last evaluated 2025-05-19.

Conditions:
Dyskeratosis congenita. Identifiers: Orphanet 1775, MedGen C0265965, MONDO:0015780.
Dyskeratosis congenita, autosomal dominant 2. Identifiers: MedGen C3151443, MONDO:0013521, OMIM 613989.
Idiopathic Pulmonary Fibrosis. Also called: Idiopathic fibrosing alveolitis, chronic form; idiopathic fibrosing alveolitis. Identifiers: Orphanet 2032, MedGen C1800706, MeSH D054990, MONDO:0800504.

Submissions (2):

Labcorp Genetics (formerly Invitae), Labcorp
Classification: Uncertain significance for Dyskeratosis congenita, autosomal dominant 2; Idiopathic Pulmonary Fibrosis. Last evaluated: 2025-05-19. Review status: criteria provided, single submitter. Criteria: Invitae Variant Classification Sherloc (09022015). Collection method: clinical testing. Allele origin: germline.
Comment: This sequence change replaces aspartic acid, which is acidic and polar, with glutamic acid, which is acidic and polar, at codon 318 of the TERT protein (p.Asp318Glu). This variant is not present in population databases (gnomAD no frequency). This variant has not been reported in the literature in individuals affected with TERT-related conditions. ClinVar contains an entry for this variant (Variation ID: 838849). Invitae Evidence Modeling of protein sequence and biophysical properties (such as structural, functional, and spatial information, amino acid conservation, physicochemical variation, residue mobility, and thermodynamic stability) indicates that this missense variant is not expected to disrupt TERT protein function with a negative predictive value of 95%. In summary, the available evidence is currently insufficient to determine the role of this variant in disease. Therefore, it has been classified as a Variant of Uncertain Significance.

Ambry Genetics
Classification: Uncertain significance for Dyskeratosis congenita. Last evaluated: 2023-09-14. Review status: criteria provided, single submitter. Criteria: Ambry Variant Classification Scheme 2023. Collection method: clinical testing. Allele origin: germline.
Comment: The p.D318E variant (also known as c.954C>G), located in coding exon 2 of the TERT gene, results from a C to G substitution at nucleotide position 954. The aspartic acid at codon 318 is replaced by glutamic acid, an amino acid with highly similar properties. This amino acid position is conserved. In addition, this alteration is predicted to be tolerated by in silico analysis. Since supporting evidence is limited at this time, the clinical significance of this alteration remains unclear.